The following is an entry in ClinVar:

ClinVar aggregate classification (germline): Uncertain significance (1 of 4 stars; one submission).

Allele frequency attached by ClinVar (database versions not stated): ExAC 0.00001; gnomAD exomes 0.00001.
gnomAD v4.1: 18 of 1,612,656 alleles (0.0011%); highest among the groups gnomAD compares: Non-Finnish European, 0.0015%; no homozygotes.

Submission:

GeneDx
Classification: Uncertain significance. Last evaluated: 2021-09-03. Review status: criteria provided, single submitter. Criteria: GeneDx Variant Classification Process June 2021. Collection method: clinical testing. Allele origin: germline. Affected: yes.
Comment: Not observed at a significant frequency in large population cohorts (Lek et al., 2016); In silico analysis supports that this missense variant does not alter protein structure/function; Has not been previously published as pathogenic or benign to our knowledge

NM_001009944.3(PKD1):c.12325C>T (p.Arg4109Cys)

Gene: PKD1 (polycystin 1, transient receptor potential channel interacting; minus strand). Cytogenetic location: 16p13.3.
Variant type: single nucleotide variant.
Coding change: c.12325C>T on transcript NM_001009944.3 (MANE Select); coding-DNA position 12325, C replaced by T.
Protein change: p.Arg4109Cys; replaces arginine 4109 with cysteine.
Molecular consequence: missense variant.
Genome position (GRCh38, 1-based): chr16:2,090,404, G>A on the plus strand (C>T on the coding strand, the complement: PKD1 is on the minus strand). VCF-style: chr16-2090404-G-A. GRCh37 (hg19) VCF-style: chr16-2140405-G-A.
Other names: c.12322C>T, p.Arg4108Cys (NM_000296.4); short protein forms R4108C, R4109C.
Identifiers: ClinVar variation 1313825 (VCV001313825.2), dbSNP rs750666594, ClinGen allele CA7828683.